The following is an entry in ClinVar:

ClinVar aggregate classification (germline): Conflicting classifications of pathogenicity. Review status: criteria provided, conflicting classifications (1 of 4 stars). 3 submissions from 3 submitters: Uncertain significance (2); Likely benign (1). Last evaluated 2025-10-06.

Conditions:
SH3TC2-related disorder. Also called: SH3TC2-related disorders; SH3TC2-related condition. Identifiers: MedGen CN239303.
Charcot-Marie-Tooth disease type 4. Also called: Charcot-Marie-Tooth disease, type IV; Charcot-Marie-Tooth, Type 4. Identifiers: Orphanet 64749, MedGen C4082197, MONDO:0018995.

Allele frequency attached by ClinVar (database versions not stated): TOPMed 0.00006; ESP Exome Variant Server 0.00008; gnomAD 0.00009 and 0.00011; 1000 Genomes Project 30x 0.00031; 1000 Genomes Project 0.00040.
gnomAD v4.1: 85 of 1,613,864 alleles (0.0053%); highest among the groups gnomAD compares: Middle Eastern, 0.033%; no homozygotes.

Submissions (3):

Labcorp Genetics (formerly Invitae), Labcorp
Classification: Likely benign for Charcot-Marie-Tooth disease type 4. Last evaluated: 2025-10-06. Review status: criteria provided, single submitter. Criteria: Invitae Variant Classification Sherloc (09022015). Collection method: clinical testing. Allele origin: germline.

PreventionGenetics, part of Exact Sciences
Classification: Uncertain significance for SH3TC2-related condition. Last evaluated: 2025-09-03. Review status: criteria provided, single submitter. Criteria: ACMG Guidelines, 2015. Collection method: clinical testing. Allele origin: germline.
Comment: The SH3TC2 c.1861C>T variant is predicted to result in the amino acid substitution p.Arg621Cys. To our knowledge, this variant has not been reported in the literature. This variant is reported in 0.012% of alleles in individuals of European (non-Finnish) descent in gnomAD. At this time, the clinical significance of this variant is uncertain due to the absence of conclusive functional and genetic evidence.

Mayo Clinic Laboratories, Mayo Clinic
Classification: Uncertain significance. Last evaluated: 2023-06-05. Review status: criteria provided, single submitter. Criteria: ACMG Guidelines, 2015. Collection method: clinical testing. Allele origin: germline. Observed: 1 variant allele.

NM_024577.4(SH3TC2):c.1861C>T (p.Arg621Cys)

Gene: SH3TC2 (SH3 domain and tetratricopeptide repeats 2; minus strand). Cytogenetic location: 5q32.
Variant type: single nucleotide variant.
Coding change: c.1861C>T on transcript NM_024577.4 (MANE Select); coding-DNA position 1861, C replaced by T.
Protein change: p.Arg621Cys; replaces arginine 621 with cysteine.
Molecular consequence: missense variant.
Genome position (GRCh38, 1-based): chr5:149,027,871, G>A on the plus strand (C>T on the coding strand, the complement: SH3TC2 is on the minus strand). VCF-style: chr5-149027871-G-A. GRCh37 (hg19) VCF-style: chr5-148407434-G-A.
Other names: p.Arg621Cys; short protein forms R621C.
Identifiers: ClinVar variation 241501 (VCV000241501.14), dbSNP rs201403149, ClinGen allele CA3499103.